The following is an entry in ClinVar:

NM_001009944.3(PKD1):c.11649_11662del (p.Ser3884fs)

Genes: PKD1 (polycystin 1, transient receptor potential channel interacting; minus strand), PKD1-AS1 (PKD1 antisense RNA 1; plus strand). Cytogenetic location: 16p13.3.
Variant type: Deletion.
Coding change: c.11649_11662del on transcript NM_001009944.3 (MANE Select); coding-DNA positions 11649 to 11662, 14 bases deleted (CAGCGTCCGCCCCT).
Protein change: p.Ser3884fs; shifts the reading frame from serine 3884.
Molecular consequence: frameshift variant. On other transcripts: non-coding transcript variant (1).
Genome position (GRCh38, 1-based): chr16:2,091,473-2,091,486, AGGGGCGGACGCTG deleted on the plus strand (CAGCGTCCGCCCCT on the coding strand, the reverse complement: PKD1 is on the minus strand); deleting any 14 consecutive bases within chr16:2,091,473-2,091,490 gives the same sequence; the c. name uses the placement nearest the transcript's 3' end. VCF-style (leftmost placement, unchanged base first): chr16-2091472-AAGGGGCGGACGCTG-A. GRCh37 (hg19) VCF-style: chr16-2141473-AAGGGGCGGACGCTG-A.
Other names: c.11646_11659del, p.Ser3883fs (NM_000296.4); short protein forms S3883fs, S3884fs.
Identifiers: ClinVar variation 811475 (VCV000811475.8), dbSNP rs1596480112, ClinGen allele CA915948985.

ClinVar aggregate classification (germline): Pathogenic (1 of 4 stars; one submission).

Conditions:
Polycystic kidney disease, adult type (PKD1). Also called: POLYCYSTIC KIDNEY DISEASE 1 WITH OR WITHOUT POLYCYSTIC LIVER DISEASE; POLYCYSTIC KIDNEY DISEASE, ADULT, TYPE I; Polycystic Kidney, Autosomal Dominant; Polycystic Kidney Disease 1, Autosomal Dominant; Polycystic kidney disease 1; Polycystic kidney disease 1, severe. Identifiers: MedGen C3149841, MONDO:0008263, OMIM 173900.

Submission:

ARUP Laboratories, Molecular Genetics and Genomics, ARUP Laboratories
Classification: Pathogenic for Polycystic kidney disease, adult type. Last evaluated: 2019-06-17. Review status: criteria provided, single submitter. Criteria: ARUP Molecular Germline Variant Investigation Process. Collection method: clinical testing. Allele origin: germline.
Comment: The PKD1 c.11649_11662del; p.Ser3884fs variant, to our knowledge, is not reported in the medical literature or gene specific databases. This variant is also absent from the general population database (Genome Aggregation Database), indicating it is not a common polymorphism. This variant causes a frameshift by deleting 14 nucleotides, so it is predicted to result in a truncated protein or mRNA subject to nonsense-mediated decay. Based on available information, this variant is considered to be pathogenic.